The following is an entry in ClinVar:

ClinVar aggregate classification (germline): Uncertain significance (1 of 4 stars; one submission).

Submission:

GeneDx
Classification: Uncertain significance. Last evaluated: 2024-07-25. Review status: criteria provided, single submitter. Criteria: GeneDx Variant Classification Process June 2021. Collection method: clinical testing. Allele origin: germline. Affected: yes.
Comment: Not observed at significant frequency in large population cohorts (gnomAD); In silico analysis indicates that this missense variant does not alter protein structure/function; In silico analysis is inconclusive as to whether the variant alters gene splicing. In the absence of RNA/functional studies, the actual effect of this sequence change is unknown.; Has not been previously published as pathogenic or benign to our knowledge

NM_014991.6(WDFY3):c.5392G>T (p.Val1798Phe)

Gene: WDFY3 (WD repeat and FYVE domain containing 3; minus strand). Cytogenetic location: 4q21.23.
Variant type: single nucleotide variant.
Coding change: c.5392G>T on transcript NM_014991.6 (MANE Select); coding-DNA position 5392, G replaced by T.
Protein change: p.Val1798Phe; replaces valine 1798 with phenylalanine.
Molecular consequence: missense variant.
Genome position (GRCh38, 1-based): chr4:84,756,958, C>A on the plus strand (G>T on the coding strand, the complement: WDFY3 is on the minus strand). VCF-style: chr4-84756958-C-A. GRCh37 (hg19) VCF-style: chr4-85678111-C-A.
Other names: short protein forms V1798F.
Identifiers: ClinVar variation 3603049 (VCV003603049.1).
Genomic context (GRCh38, chr4:84,756,958, plus strand): 5'-CACGCACCCCTTGCTAGATAATTCCTACCTGGCAACCCTGCTTACTCCGGCAGCTGATGA[C>A]AGGCACACTGACCTGCAGGTTCTCAGGCAGCTCACTAACTGGCTGCTGCAGAAACAAGGC-3'
Protein context (NP_055806.2, residues 1788-1808): LPENLQVSVP[Val1798Phe]ISCRSKQGCQ